The following is an entry in ClinVar:

ClinVar aggregate classification (germline): Benign/Likely benign. Review status: criteria provided, multiple submitters, no conflicts (2 of 4 stars). 3 submissions from 3 submitters: Benign (1); Likely benign (2). Last evaluated 2025-01-08.

Conditions:
Hereditary nonpolyposis colorectal neoplasms. Identifiers: MedGen C0009405, MeSH D003123.
Hereditary cancer-predisposing syndrome. Also called: Tumor predisposition; Neoplastic Syndromes, Hereditary; Hereditary Cancer Syndrome; Hereditary neoplastic syndrome. Identifiers: Orphanet 140162, MedGen C0027672, MeSH D009386, MONDO:0015356.
Lynch syndrome 5 (LYNCH5). Also called: Colorectal cancer, hereditary nonpolyposis, type 5; Hereditary non-polyposis colorectal cancer, type 5. Identifiers: Orphanet 144, MedGen C1833477, MONDO:0013710, OMIM 614350. Disease mechanism: loss of function.

gnomAD v4.1: 1 of 1,612,906 alleles (0.000062%); highest among the groups gnomAD compares: Non-Finnish European, 0.000085%; no homozygotes.

Submissions (3):

Myriad Genetics, Inc.
Classification: Benign for Lynch syndrome 5. Last evaluated: 2025-01-08. Review status: criteria provided, single submitter. Criteria: Myriad Autosomal Dominant, Autosomal Recessive and X-Linked Classification Criteria (2023). Collection method: clinical testing. Allele origin: unknown.
Comment: This variant is considered benign. This variant is a silent/synonymous amino acid change and it is not expected to impact splicing.

Labcorp Genetics (formerly Invitae), Labcorp
Classification: Likely benign for Hereditary nonpolyposis colorectal neoplasms. Last evaluated: 2023-08-03. Review status: criteria provided, single submitter. Criteria: Invitae Variant Classification Sherloc (09022015). Collection method: clinical testing. Allele origin: germline.

Ambry Genetics
Classification: Likely benign for Hereditary cancer-predisposing syndrome. Last evaluated: 2019-12-29. Review status: criteria provided, single submitter. Criteria: Ambry Variant Classification Scheme 2023. Collection method: clinical testing. Allele origin: germline.

NM_000179.3(MSH6):c.3960A>C (p.Ala1320=)

Gene: MSH6 (mutS homolog 6; plus strand). Cytogenetic location: 2p16.3.
Variant type: single nucleotide variant.
Coding change: c.3960A>C on transcript NM_000179.3 (MANE Select); coding-DNA position 3960, A replaced by C.
Protein change: p.Ala1320=; no amino-acid change (alanine 1320 retained).
Molecular consequence: synonymous variant.
Genome position (GRCh38, 1-based): chr2:47,806,610, A>C. VCF-style: chr2-47806610-A-C. GRCh37 (hg19) VCF-style: chr2-48033749-A-C.
Other names: c.3570A>C, p.Ala1190= (NM_001281492.2); c.3054A>C, p.Ala1018= (NM_001281493.2, NM_001281494.2).
Identifiers: ClinVar variation 1650085 (VCV001650085.11), dbSNP rs373425206, ClinGen allele CA426122187.
Genomic context (GRCh38, chr2:47,806,610, plus strand): 5'-TAATGCAGCAAGGCTTGCTAATCTCCCAGAGGAAGTTATTCAAAAGGGACATAGAAAAGC[A>C]AGAGAATTTGAGAAGATGAATCAGTCACTACGATTATTTCGGTAACTAACTAACTATAAT-3'
Protein context (NP_000170.1, residues 1310-1330): EEVIQKGHRK[Ala1320=]REFEKMNQSL